The following is an entry in ClinVar:

NM_001453.3(FOXC1):c.369G>A (p.Gln123=)

Gene: FOXC1 (forkhead box C1; plus strand). Cytogenetic location: 6p25.3.
Variant type: single nucleotide variant.
Coding change: c.369G>A on transcript NM_001453.3 (MANE Select); coding-DNA position 369, G replaced by A.
Protein change: p.Gln123=; no amino-acid change (glutamine 123 retained).
Molecular consequence: synonymous variant.
Genome position (GRCh38, 1-based): chr6:1,610,814, G>A. VCF-style: chr6-1610814-G-A. GRCh37 (hg19) VCF-style: chr6-1611049-G-A.
Identifiers: ClinVar variation 3671636 (VCV003671636.3).

ClinVar aggregate classification (germline): Conflicting classifications of pathogenicity. Review status: criteria provided, conflicting classifications (1 of 4 stars). 2 submissions from 2 submitters: Uncertain significance (1); Likely benign (1). Last evaluated 2024-07-12.

Conditions:
Axenfeld-Rieger syndrome type 3 (RIEG3). Also called: AXENFELD-RIEGER ANOMALY WITH CARDIAC DEFECTS AND/OR SENSORINEURAL HEARING LOSS. Identifiers: Orphanet 782, MedGen C2678503, MONDO:0011233, OMIM 602482.

gnomAD v4.1: 59 of 1,613,972 alleles (0.0037%); highest among the groups gnomAD compares: Non-Finnish European, 0.0047%; no homozygotes.

Submissions (2):

Labcorp Genetics (formerly Invitae), Labcorp
Classification: Uncertain significance for Axenfeld-Rieger syndrome type 3. Last evaluated: 2024-07-12. Review status: criteria provided, single submitter. Criteria: Invitae Variant Classification Sherloc (09022015). Collection method: clinical testing. Allele origin: germline.
Comment: This sequence change affects codon 123 of the FOXC1 mRNA. It is a 'silent' change, meaning that it does not change the encoded amino acid sequence of the FOXC1 protein. This variant is present in population databases (rs762354349, gnomAD 0.02%). This variant has not been reported in the literature in individuals affected with FOXC1-related conditions. In summary, the available evidence is currently insufficient to determine the role of this variant in disease. Therefore, it has been classified as a Variant of Uncertain Significance.

Blueprint Genetics
Classification: Likely benign. Last evaluated: 2022-12-06. Review status: criteria provided, single submitter. Criteria: ACMG Guidelines, 2015. Collection method: clinical testing. Allele origin: germline.